The following is an entry in ClinVar:

ClinVar aggregate classification (germline): Likely benign. Review status: criteria provided, single submitter (1 of 4 stars). 2 submissions from 2 submitters: Likely benign (1). 1 of the submissions does not count toward it. Last evaluated 2023-06-17.

Conditions:
PLXNA2-related disorder. Also called: PLXNA2-related condition.

Allele frequency attached by ClinVar (database versions not stated): ESP Exome Variant Server 0.00008.
gnomAD v4.1: 56 of 1,613,592 alleles (0.0035%); highest among the groups gnomAD compares: South Asian, 0.0088%; no homozygotes.

Submissions (2):

Labcorp Genetics (formerly Invitae), Labcorp
Classification: Likely benign. Last evaluated: 2023-06-17. Review status: criteria provided, single submitter. Criteria: Invitae Variant Classification Sherloc (09022015). Collection method: clinical testing. Allele origin: germline.

PreventionGenetics, part of Exact Sciences
Classification: Likely benign for PLXNA2-related condition. Last evaluated: 2023-11-09. Review status: no assertion criteria provided. Collection method: clinical testing. Allele origin: germline. Not counted in ClinVar's aggregate classification.
Comment: This variant is classified as likely benign based on ACMG/AMP sequence variant interpretation guidelines (Richards et al. 2015 PMID: 25741868, with internal and published modifications).

NM_025179.4(PLXNA2):c.2952C>T (p.Ser984=)

Gene: PLXNA2 (plexin A2; minus strand). Cytogenetic location: 1q32.2.
Variant type: single nucleotide variant.
Coding change: c.2952C>T on transcript NM_025179.4 (MANE Select); coding-DNA position 2952, C replaced by T.
Protein change: p.Ser984=; no amino-acid change (serine 984 retained).
Molecular consequence: synonymous variant.
Genome position (GRCh38, 1-based): chr1:208,052,368, G>A on the plus strand (C>T on the coding strand, the complement: PLXNA2 is on the minus strand). VCF-style: chr1-208052368-G-A. GRCh37 (hg19) VCF-style: chr1-208225713-G-A.
Other names: c.2952C>T (NM_025179.3).
Identifiers: ClinVar variation 2886009 (VCV002886009.5), dbSNP rs376646242, ClinGen allele CA1373345.